The following is an entry in ClinVar:

ClinVar aggregate classification (germline): Uncertain significance (1 of 4 stars; one submission).

Allele frequency attached by ClinVar (database versions not stated): gnomAD exomes below 0.00001.
gnomAD v4.1: 4 of 1,613,552 alleles (0.00025%); highest among the groups gnomAD compares: Admixed American, 0.0017%; no homozygotes.

Submission:

Labcorp Genetics (formerly Invitae), Labcorp
Classification: Uncertain significance. Last evaluated: 2021-08-28. Review status: criteria provided, single submitter. Criteria: Invitae Variant Classification Sherloc (09022015). Collection method: clinical testing. Allele origin: germline.
Comment: This sequence change replaces histidine with arginine at codon 363 of the LAMC3 protein (p.His363Arg). The histidine residue is highly conserved and there is a small physicochemical difference between histidine and arginine. This variant is not present in population databases (ExAC no frequency). This variant has not been reported in the literature in individuals affected with LAMC3-related conditions. Algorithms developed to predict the effect of missense changes on protein structure and function (SIFT, PolyPhen-2, Align-GVGD) all suggest that this variant is likely to be tolerated. In summary, the available evidence is currently insufficient to determine the role of this variant in disease. Therefore, it has been classified as a Variant of Uncertain Significance.

NM_006059.4(LAMC3):c.1088A>G (p.His363Arg)

Gene: LAMC3 (laminin subunit gamma 3; plus strand). Cytogenetic location: 9q34.12.
Variant type: single nucleotide variant.
Coding change: c.1088A>G on transcript NM_006059.4 (MANE Select); coding-DNA position 1088, A replaced by G.
Protein change: p.His363Arg; replaces histidine 363 with arginine.
Molecular consequence: missense variant.
Genome position (GRCh38, 1-based): chr9:131,038,975, A>G. VCF-style: chr9-131038975-A-G. GRCh37 (hg19) VCF-style: chr9-133914362-A-G.
Other names: short protein forms H363R.
Identifiers: ClinVar variation 1409727 (VCV001409727.5), dbSNP rs1487080993, ClinGen allele CA375259022.
Genomic context (GRCh38, chr9:131,038,975, plus strand): 5'-TCCGCAGCACAGGCCACGGCGGGCGCTGTCACCACTGCCGTGACCACACAGCTGGGCCAC[A>G]CTGTGAGCGCTGTCAGGAGAATTTCTATCACTGGGACCCGCGGATGCCATGCCAGCCCTG-3'
Protein context (NP_006050.3, residues 353-373): HHCRDHTAGP[His363Arg]CERCQENFYH